The following is an entry in ClinVar:

NM_022841.7(RFX7):c.518+1A>G

Gene: RFX7 (regulatory factor X7; minus strand). Cytogenetic location: 15q21.3.
Variant type: single nucleotide variant.
Coding change: c.518+1A>G on transcript NM_022841.7 (MANE Select); the canonical splice donor site of the intron after coding-DNA position 518, A replaced by G.
Molecular consequence: splice donor variant.
Genome position (GRCh38, 1-based): chr15:56,103,553, T>C on the plus strand (A>G on the coding strand, the complement: RFX7 is on the minus strand). VCF-style: chr15-56103553-T-C. GRCh37 (hg19) VCF-style: chr15-56395751-T-C.
Other names: c.518+1A>G (NM_001370561.1); c.227+1A>G (NM_001368073.2, NM_001370554.1, NM_001368074.1).
Identifiers: ClinVar variation 5018146 (VCV005018146.1).

ClinVar aggregate classification (germline): Uncertain significance (1 of 4 stars; one submission).

Submission:

GeneDx
Classification: Uncertain significance. Last evaluated: 2026-04-08. Review status: criteria provided, single submitter. Criteria: GeneDx Variant Classification Process June 2021. Collection method: clinical testing. Allele origin: germline.
Comment: Not observed at significant frequency in large population cohorts (gnomAD); In silico analysis suggests that this variant does not alter splicing; Has not been previously published as pathogenic or benign to our knowledge